The following is an entry in ClinVar:

ClinVar aggregate classification (germline): Uncertain significance (1 of 4 stars; one submission).

Conditions:
Alstrom syndrome (ALMS). Identifiers: Orphanet 64, MedGen C0268425, MONDO:0008763, OMIM 203800.

Submission:

Labcorp Genetics (formerly Invitae), Labcorp
Classification: Uncertain significance for Alstrom syndrome. Last evaluated: 2021-10-17. Review status: criteria provided, single submitter. Criteria: Invitae Variant Classification Sherloc (09022015). Collection method: clinical testing. Allele origin: germline.
Comment: This sequence change replaces tryptophan with arginine at codon 2644 of the ALMS1 protein (p.Trp2644Arg). The tryptophan residue is moderately conserved and there is a moderate physicochemical difference between tryptophan and arginine. This variant is not present in population databases (ExAC no frequency). This variant has not been reported in the literature in individuals affected with ALMS1-related conditions. Experimental studies and prediction algorithms are not available or were not evaluated, and the functional significance of this variant is currently unknown. In summary, the available evidence is currently insufficient to determine the role of this variant in disease. Therefore, it has been classified as a Variant of Uncertain Significance.

NM_001378454.1(ALMS1):c.7927T>C (p.Trp2643Arg)

Gene: ALMS1 (ALMS1 centrosome and basal body associated protein; plus strand). Cytogenetic location: 2p13.1.
Variant type: single nucleotide variant.
Coding change: c.7927T>C on transcript NM_001378454.1 (MANE Select); coding-DNA position 7927, T replaced by C.
Protein change: p.Trp2643Arg; replaces tryptophan 2643 with arginine.
Molecular consequence: missense variant.
Genome position (GRCh38, 1-based): chr2:73,489,886, T>C. VCF-style: chr2-73489886-T-C. GRCh37 (hg19) VCF-style: chr2-73717013-T-C.
Other names: c.7930T>C, p.Trp2644Arg (NM_015120.4); short protein forms W2643R, W2644R.
Identifiers: ClinVar variation 1927362 (VCV001927362.2), dbSNP rs1672938981, ClinGen allele CA347266400.